The following is an entry in ClinVar:

ClinVar aggregate classification (germline): Likely pathogenic. Review status: criteria provided, single submitter (1 of 4 stars). 2 submissions from 2 submitters: Likely pathogenic (1). 1 of the submissions does not count toward it. Last evaluated 2026-01-26.

Conditions:
ALG9-associated autosomal dominant polycystic kidney disease. Identifiers: MedGen CN305626, MONDO:0700000.
ALG9-related disorder. Also called: ALG9-related condition.

Submissions (2):

Medical and Scientific Branch, Hong Kong Genome Institute
Classification: Likely pathogenic for ALG9-associated autosomal dominant polycystic kidney disease. Last evaluated: 2026-01-26. Review status: criteria provided, single submitter. Criteria: ACMG Guidelines, 2015. Collection method: clinical testing. Allele origin: unknown. Affected: yes.

PreventionGenetics, part of Exact Sciences
Classification: Likely pathogenic for ALG9-related condition. Last evaluated: 2024-08-07. Review status: no assertion criteria provided. Collection method: clinical testing. Allele origin: germline. Not counted in ClinVar's aggregate classification.
Comment: The ALG9 c.522delA variant is predicted to result in a frameshift and premature protein termination (p.Ala175Profs*27). To our knowledge, this variant has not been reported in the literature or in a large population database, indicating this variant is rare. Frameshift variants in ALG9 are expected to be pathogenic. This variant is interpreted as likely pathogenic.

NM_024740.2(ALG9):c.522del (p.Ala175fs)

Gene: ALG9 (ALG9 alpha-1,2-mannosyltransferase; minus strand). Cytogenetic location: 11q23.1.
Variant type: Deletion.
Coding change: c.522del on transcript NM_024740.2 (MANE Select); coding-DNA position 522, one base deleted (A; older notation c.522delA).
Protein change: p.Ala175fs; shifts the reading frame from alanine 175.
Molecular consequence: frameshift variant. On other transcripts: 5 prime UTR variant (1), non-coding transcript variant (1).
Genome position (GRCh38, 1-based): chr11:111,860,590, T deleted on the plus strand (A on the coding strand, the reverse complement: ALG9 is on the minus strand). VCF-style (leftmost placement, unchanged base first): chr11-111860589-CT-C. GRCh37 (hg19) VCF-style: chr11-111731312-CT-C.
Other names: c.522delA (NM_024740.2); c.522del, p.Ala175fs (NM_001077690.1, NM_001352417.1, NM_001352418.1); c.9del, p.Ala4fs (NM_001077691.2, NM_001077692.2, NM_001352409.1 and 11 more transcripts); c.-210del (NM_001352422.2); short protein forms A175fs, A4fs.
Identifiers: ClinVar variation 2633266 (VCV002633266.3), dbSNP rs2497476150, ClinGen allele CA2695199017.